The following is an entry in ClinVar:

ClinVar aggregate classification (germline): Uncertain significance (1 of 4 stars; one submission).

Conditions:
RASopathy. Also called: Noonan spectrum disorder; rasopathies. Identifiers: Orphanet 536391, MedGen C5555857, MONDO:0021060.

Submission:

Labcorp Genetics (formerly Invitae), Labcorp
Classification: Uncertain significance for RASopathy. Last evaluated: 2025-07-14. Review status: criteria provided, single submitter. Criteria: Invitae Variant Classification Sherloc (09022015). Collection method: clinical testing. Allele origin: germline.
Comment: This sequence change replaces aspartic acid, which is acidic and polar, with alanine, which is neutral and non-polar, at codon 549 of the CBL protein (p.Asp549Ala). This variant is not present in population databases (gnomAD no frequency). This variant has not been reported in the literature in individuals affected with CBL-related conditions. ClinVar contains an entry for this variant (Variation ID: 3634396). Invitae Evidence Modeling of protein sequence and biophysical properties (such as structural, functional, and spatial information, amino acid conservation, physicochemical variation, residue mobility, and thermodynamic stability) indicates that this missense variant is not expected to disrupt CBL protein function with a negative predictive value of 95%. In summary, the available evidence is currently insufficient to determine the role of this variant in disease. Therefore, it has been classified as a Variant of Uncertain Significance.

NM_005188.4(CBL):c.1646A>C (p.Asp549Ala)

Gene: CBL (Cbl proto-oncogene; plus strand). Cytogenetic location: 11q23.3.
Variant type: single nucleotide variant.
Coding change: c.1646A>C on transcript NM_005188.4 (MANE Select); coding-DNA position 1646, A replaced by C.
Protein change: p.Asp549Ala; replaces aspartic acid 549 with alanine.
Molecular consequence: missense variant.
Genome position (GRCh38, 1-based): chr11:119,285,271, A>C. VCF-style: chr11-119285271-A-C. GRCh37 (hg19) VCF-style: chr11-119155981-A-C.
Other names: short protein forms D549A.
Identifiers: ClinVar variation 3634396 (VCV003634396.2).